The following is an entry in ClinVar:

ClinVar aggregate classification (germline): Uncertain significance (1 of 4 stars; one submission).

gnomAD v4.1: 2 of 1,613,718 alleles (0.00012%); highest among the groups gnomAD compares: Non-Finnish European, 0.00017%; no homozygotes.

Submission:

GeneDx
Classification: Uncertain significance. Last evaluated: 2026-02-26. Review status: criteria provided, single submitter. Criteria: GeneDx Variant Classification Process June 2021. Collection method: clinical testing. Allele origin: germline.
Comment: Not observed at significant frequency in large population cohorts (gnomAD); In silico analysis suggests that this missense variant does not alter protein structure/function; Has not been previously published as pathogenic or benign to our knowledge

NM_016239.4(MYO15A):c.7994C>T (p.Pro2665Leu)

Gene: MYO15A (myosin XVA; plus strand). Cytogenetic location: 17p11.2.
Variant type: single nucleotide variant.
Coding change: c.7994C>T on transcript NM_016239.4 (MANE Select); coding-DNA position 7994, C replaced by T.
Protein change: p.Pro2665Leu; replaces proline 2665 with leucine.
Molecular consequence: missense variant.
Genome position (GRCh38, 1-based): chr17:18,153,802, C>T. VCF-style: chr17-18153802-C-T. GRCh37 (hg19) VCF-style: chr17-18057116-C-T.
Other names: short protein forms P2665L.
Identifiers: ClinVar variation 5010093 (VCV005010093.1).